The following is an entry in ClinVar:

ClinVar aggregate classification (germline): Uncertain significance (1 of 4 stars; one submission).

Conditions:
Familial cold autoinflammatory syndrome 4 (FCAS4). Identifiers: Orphanet 47045, Orphanet 576349, MedGen C4015276, MONDO:0014498, OMIM 616115.
Periodic fever-infantile enterocolitis-autoinflammatory syndrome. Also called: Autoinflammation with infantile enterocolitis. Identifiers: Orphanet 436166, MedGen C4015067, MONDO:0014472, OMIM 616050.

Allele frequency attached by ClinVar (database versions not stated): gnomAD exomes below 0.00001 and 0.00001; TOPMed below 0.00001.
gnomAD v4.1: 6 of 1,602,444 alleles (0.00037%); highest among the groups gnomAD compares: East Asian, 0.0022%; no homozygotes.

Submission:

Labcorp Genetics (formerly Invitae), Labcorp
Classification: Uncertain significance for Periodic fever-infantile enterocolitis-autoinflammatory syndrome; Familial cold autoinflammatory syndrome 4. Last evaluated: 2025-01-23. Review status: criteria provided, single submitter. Criteria: Invitae Variant Classification Sherloc (09022015). Collection method: clinical testing. Allele origin: germline.
Comment: This sequence change falls in intron 3 of the NLRC4 gene. It does not directly change the encoded amino acid sequence of the NLRC4 protein. It affects a nucleotide within the consensus splice site. This variant is present in population databases (no rsID available, gnomAD 0.01%). This variant has not been reported in the literature in individuals affected with NLRC4-related conditions. ClinVar contains an entry for this variant (Variation ID: 1362818). Variants that disrupt the consensus splice site are a relatively common cause of aberrant splicing (PMID: 17576681, 9536098). Algorithms developed to predict the effect of sequence changes on RNA splicing suggest that this variant may disrupt the consensus splice site. In summary, the available evidence is currently insufficient to determine the role of this variant in disease. Therefore, it has been classified as a Variant of Uncertain Significance.

Literature cited by the submitters: PubMed 17576681; PubMed 9536098.

NM_001199138.2(NLRC4):c.262+4A>T

Gene: NLRC4 (NLR family CARD domain containing 4; minus strand). Cytogenetic location: 2p22.3.
Variant type: single nucleotide variant.
Coding change: c.262+4A>T on transcript NM_001199138.2 (MANE Select); 4 bases into the intron after coding-DNA position 262, A replaced by T.
Molecular consequence: intron variant.
Genome position (GRCh38, 1-based): chr2:32,252,415, T>A on the plus strand (A>T on the coding strand, the complement: NLRC4 is on the minus strand). VCF-style: chr2-32252415-T-A. GRCh37 (hg19) VCF-style: chr2-32477484-T-A.
Other names: c.262+4A>T (NM_001302504.1, NM_021209.4, NM_001199139.1).
Identifiers: ClinVar variation 1362818 (VCV001362818.6), dbSNP rs947899957, ClinGen allele CA44755038.